The following is an entry in ClinVar:

ClinVar aggregate classification (germline): Uncertain significance (1 of 4 stars; one submission).

Submission:

Labcorp Genetics (formerly Invitae), Labcorp
Classification: Uncertain significance. Last evaluated: 2022-04-11. Review status: criteria provided, single submitter. Criteria: Invitae Variant Classification Sherloc (09022015). Collection method: clinical testing. Allele origin: germline.
Comment: This sequence change replaces lysine, which is basic and polar, with threonine, which is neutral and polar, at codon 683 of the PDE6A protein (p.Lys683Thr). This variant is not present in population databases (gnomAD no frequency). This variant has not been reported in the literature in individuals affected with PDE6A-related conditions. Algorithms developed to predict the effect of missense changes on protein structure and function are either unavailable or do not agree on the potential impact of this missense change (SIFT: "Deleterious"; PolyPhen-2: "Probably Damaging"; Align-GVGD: "Class C0"). In summary, the available evidence is currently insufficient to determine the role of this variant in disease. Therefore, it has been classified as a Variant of Uncertain Significance.

NM_000440.3(PDE6A):c.2048A>C (p.Lys683Thr)

Gene: PDE6A (phosphodiesterase 6A; minus strand). Cytogenetic location: 5q32.
Variant type: single nucleotide variant.
Coding change: c.2048A>C on transcript NM_000440.3 (MANE Select); coding-DNA position 2048, A replaced by C.
Protein change: p.Lys683Thr; replaces lysine 683 with threonine.
Molecular consequence: missense variant.
Genome position (GRCh38, 1-based): chr5:149,883,516, T>G on the plus strand (A>C on the coding strand, the complement: PDE6A is on the minus strand). VCF-style: chr5-149883516-T-G. GRCh37 (hg19) VCF-style: chr5-149263079-T-G.
Other names: c.1805A>C, p.Lys602Thr (NM_001410788.1); short protein forms K602T, K683T.
Identifiers: ClinVar variation 2069967 (VCV002069967.4), dbSNP rs2480506007, ClinGen allele CA361692654.
Genomic context (GRCh38, chr5:149,883,516, plus strand): 5'-AGCATCATGTACTGTGTCCACTCCTGTTCACTCTCATATGTCTTAGACTGATCCACGATC[T>G]TTTGGAACATCGTCCTCTTCCTACAAAACATATCAGTCTAGTAAAGGGAGCAAGTCTTAG-3'
Protein context (NP_000431.2, residues 673-693): LYFKKRTMFQ[Lys683Thr]IVDQSKTYES